The following is an entry in ClinVar:

NM_006648.4(WNK2):c.71C>A (p.Ala24Glu)

Gene: WNK2 (WNK lysine deficient protein kinase 2; plus strand). Cytogenetic location: 9q22.31.
Variant type: single nucleotide variant.
Coding change: c.71C>A on transcript NM_006648.4 (MANE Select); coding-DNA position 71, C replaced by A.
Protein change: p.Ala24Glu; replaces alanine 24 with glutamic acid.
Molecular consequence: missense variant.
Genome position (GRCh38, 1-based): chr9:93,185,000, C>A. VCF-style: chr9-93185000-C-A. GRCh37 (hg19) VCF-style: chr9-95947282-C-A.
Other names: c.71C>A, p.Ala24Glu (NM_001282394.3); short protein forms A24E.
Identifiers: ClinVar variation 3816692 (VCV003816692.1).
Genomic context (GRCh38, chr9:93,185,000, plus strand): 5'-ATGGCGGCCGCCGAGACGTCCCCGGCACGCTGATGGAGCCCGGGCGCGGCGCGGGGCCCG[C>A]GGGCATGGCGGAGCCTCGGGCGAAGGCGGCGCGGCCGGGGCCCCAGCGCTTTCTGCGGCG-3'
Protein context (NP_006639.3, residues 14-34): LMEPGRGAGP[Ala24Glu]GMAEPRAKAA

ClinVar aggregate classification (germline): Uncertain significance (1 of 4 stars; one submission).

gnomAD v4.1: 2 of 1,243,852 alleles (0.00016%); highest among the groups gnomAD compares: Non-Finnish European, 0.0002%; no homozygotes.

Submission:

Ambry Genetics
Classification: Uncertain significance. Last evaluated: 2025-01-01. Review status: criteria provided, single submitter. Criteria: Ambry Variant Classification Scheme 2023. Collection method: clinical testing. Allele origin: germline.
Comment: The p.A24E variant (also known as c.71C>A), located in coding exon 1 of the WNK2 gene, results from a C to A substitution at nucleotide position 71. The alanine at codon 24 is replaced by glutamic acid, an amino acid with dissimilar properties. This amino acid position is conserved. In addition, this alteration is predicted to be tolerated by in silico analysis. Based on the available evidence, the clinical significance of this variant remains unclear.